The following is an entry in ClinVar:

ClinVar aggregate classification (germline): Uncertain significance (1 of 4 stars; one submission).

Submission:

Labcorp Genetics (formerly Invitae), Labcorp
Classification: Uncertain significance. Last evaluated: 2019-12-16. Review status: criteria provided, single submitter. Criteria: Invitae Variant Classification Sherloc (09022015). Collection method: clinical testing. Allele origin: germline.
Comment: In summary, the available evidence is currently insufficient to determine the role of this variant in disease. Therefore, it has been classified as a Variant of Uncertain Significance. Algorithms developed to predict the effect of missense changes on protein structure and function are either unavailable or do not agree on the potential impact of this missense change (SIFT: "Deleterious"; PolyPhen-2: "Benign"; Align-GVGD: "Class C0"). This variant has not been reported in the literature in individuals with CTNNA1-related conditions. This variant is not present in population databases (ExAC no frequency). This sequence change replaces serine with arginine at codon 44 of the CTNNA1 protein (p.Ser44Arg). The serine residue is moderately conserved and there is a moderate physicochemical difference between serine and arginine.

NM_001903.5(CTNNA1):c.132T>A (p.Ser44Arg)

Gene: CTNNA1 (catenin alpha 1; plus strand). Cytogenetic location: 5q31.2.
Variant type: single nucleotide variant.
Coding change: c.132T>A on transcript NM_001903.5 (MANE Select); coding-DNA position 132, T replaced by A.
Protein change: p.Ser44Arg; replaces serine 44 with arginine.
Molecular consequence: missense variant. On other transcripts: 5 prime UTR variant (1), intron variant (1).
Genome position (GRCh38, 1-based): chr5:138,783,203, T>A. VCF-style: chr5-138783203-T-A. GRCh37 (hg19) VCF-style: chr5-138118892-T-A.
Other names: c.132T>A, p.Ser44Arg (NM_001290307.3, NM_001323982.2, NM_001323983.1 and 3 more transcripts); c.-75T>A (NM_001290310.3); c.-9+1174T>A (NM_001290309.3); short protein forms S44R.
Identifiers: ClinVar variation 848045 (VCV000848045.10), dbSNP rs1755325154, ClinGen allele CA361477314.
Genomic context (GRCh38, chr5:138,783,203, plus strand): 5'-GACTCCAGTTTAATGTTAAAAATGAAACTTTTAGGTTACAACCCTTGTAAACACCAATAG[T>A]AAAGGGCCCTCTAATAAGAAGAGAGGTCGTTCTAAGAAGGCCCATGTTTTGGCTGCATCT-3'
Protein context (NP_001894.2, residues 34-54): TQVTTLVNTN[Ser44Arg]KGPSNKKRGR